The following is an entry in ClinVar:

ClinVar aggregate classification (germline): Likely pathogenic (1 of 4 stars; one submission).

Conditions:
Dilated cardiomyopathy 1G (CMD1G). Identifiers: Orphanet 154, MedGen C1858763, MONDO:0011400, OMIM 604145.
Autosomal recessive limb-girdle muscular dystrophy type 2J (LGMDR10). Also called: Limb-girdle muscular dystrophy, type 2J; MUSCULAR DYSTROPHY, LIMB-GIRDLE, AUTOSOMAL RECESSIVE 10. Identifiers: Orphanet 140922, MedGen C1837342, MONDO:0012127, OMIM 608807.

Submission:

Labcorp Genetics (formerly Invitae), Labcorp
Classification: Likely pathogenic for Dilated cardiomyopathy 1G; Autosomal recessive limb-girdle muscular dystrophy type 2J. Last evaluated: 2025-03-04. Review status: criteria provided, single submitter. Criteria: Invitae Variant Classification Sherloc (09022015). Collection method: clinical testing. Allele origin: germline.
Comment: This sequence change creates a premature translational stop signal (p.Asp18689Ilefs*2) in the TTN gene. While this is not anticipated to result in nonsense mediated decay, it is expected to create a truncated TTN protein. This variant is not present in population databases (gnomAD no frequency). This variant has not been reported in the literature in individuals affected with TTN-related conditions. This variant is located in the A band of TTN (PMID: 25589632). Truncating variants in this region are significantly overrepresented in patients affected with dilated cardiomyopathy (PMID: 25589632). Truncating variants in this region have also been reported in individuals affected with autosomal recessive centronuclear myopathy (PMID: 23975875). In summary, the currently available evidence indicates that the variant is pathogenic, but additional data are needed to prove that conclusively. Therefore, this variant has been classified as Likely Pathogenic.

Literature cited by the submitters: PubMed 25589632; PubMed 23975875.

NM_001267550.2(TTN):c.56065del (p.Asp18689fs)

Genes: TTN (titin; minus strand), TTN-AS1 (TTN antisense RNA 1; plus strand). Cytogenetic location: 2q31.2.
Variant type: Deletion.
Coding change: c.56065del on transcript NM_001267550.2 (MANE Select); coding-DNA position 56065, one base deleted (G; older notation c.56065delG).
Protein change: p.Asp18689fs; shifts the reading frame from aspartic acid 18689.
Molecular consequence: frameshift variant.
Genome position (GRCh38, 1-based): chr2:178,599,836, C deleted on the plus strand (G on the coding strand, the reverse complement: TTN is on the minus strand). VCF-style (leftmost placement, unchanged base first): chr2-178599835-TC-T. GRCh37 (hg19) VCF-style: chr2-179464562-TC-T.
Other names: c.51142del, p.Asp17048fs (NM_001256850.1); c.28870del, p.Asp9624fs (NM_003319.4); c.48361del, p.Asp16121fs (NM_133378.4); c.29245del, p.Asp9749fs (NM_133432.3); c.29446del, p.Asp9816fs (NM_133437.4); short protein forms D18689fs, D9749fs, D9816fs, D16121fs, D9624fs, D17048fs.
Identifiers: ClinVar variation 4784299 (VCV004784299.1).